The following is an entry in ClinVar:

ClinVar aggregate classification (germline): Uncertain significance. Review status: criteria provided, multiple submitters, no conflicts (2 of 4 stars). 5 submissions from 5 submitters: Uncertain significance (3). 2 of the submissions do not count toward it. Last evaluated 2025-11-05.

Conditions:
Idiopathic basal ganglia calcification 1 (PFBC1A). Also called: PRIMARY FAMILIAL BRAIN CALCIFICATION 1A, AUTOSOMAL DOMINANT; Fahr's syndrome; Cerebral calcification nonarteriosclerotic idiopathic adult-onset; Striopallidodentate calcinosis autosomal dominant adult-onset; Ferrocalcinosis, cerebrovascular; Fahr disease, familial (formerly). Identifiers: Orphanet 1980, MedGen C4551624, MONDO:0024538, OMIM 213600.
Inborn genetic diseases. Identifiers: MedGen C0950123, MeSH D030342.

Allele frequency attached by ClinVar (database versions not stated): gnomAD 0.00005 and 0.00006; ESP Exome Variant Server 0.00015; gnomAD exomes 0.00008 and 0.00018; ExAC 0.00012; TOPMed 0.00008.
gnomAD v4.1: 255 of 1,612,228 alleles (0.016%); highest among the groups gnomAD compares: Non-Finnish European, 0.021%; no homozygotes.

Submissions (6):

Ambry Genetics
Classification: Uncertain significance for Inborn genetic diseases. Last evaluated: 2025-11-05. Review status: criteria provided, single submitter. Criteria: Ambry Variant Classification Scheme 2023. Collection method: clinical testing. Allele origin: germline.

Labcorp Genetics (formerly Invitae), Labcorp
Classification: Uncertain significance. Last evaluated: 2024-03-09. Review status: criteria provided, single submitter. Criteria: Invitae Variant Classification Sherloc (09022015). Collection method: clinical testing. Allele origin: germline.
Comment: This sequence change replaces arginine, which is basic and polar, with glutamine, which is neutral and polar, at codon 181 of the SLC20A2 protein (p.Arg181Gln). This variant is present in population databases (rs140059610, gnomAD 0.02%). This variant has not been reported in the literature in individuals affected with SLC20A2-related conditions. ClinVar contains an entry for this variant (Variation ID: 1209907). Advanced modeling of protein sequence and biophysical properties (such as structural, functional, and spatial information, amino acid conservation, physicochemical variation, residue mobility, and thermodynamic stability) performed at Invitae indicates that this missense variant is not expected to disrupt SLC20A2 protein function with a negative predictive value of 80%. In summary, the available evidence is currently insufficient to determine the role of this variant in disease. Therefore, it has been classified as a Variant of Uncertain Significance.

Fulgent Genetics
Classification: Uncertain significance for Idiopathic basal ganglia calcification 1. Last evaluated: 2022-03-03. Review status: criteria provided, single submitter. Criteria: ACMG Guidelines, 2015. Collection method: clinical testing. Allele origin: unknown.

Clinical Genetics DNA and cytogenetics Diagnostics Lab, Erasmus MC, Erasmus Medical Center
Classification: Uncertain significance. Review status: no assertion criteria provided. Collection method: clinical testing. Allele origin: germline. Affected: yes. Study: VKGL Data-share Consensus. Not counted in ClinVar's aggregate classification.

Dr. Peter K. Rogan Lab, Western University
No classification provided (evidence only). Condition: Uterine corpus endometrial carcinoma. Review status: no classification provided. Collection method: in vitro. Allele origin: not applicable. Functional consequence: retained intron. Not counted in ClinVar's aggregate classification.

Genome Diagnostics Laboratory, Amsterdam University Medical Center
Classification: Uncertain significance. Review status: no assertion criteria provided. Collection method: clinical testing. Allele origin: germline. Affected: yes. Study: VKGL Data-share Consensus. Not counted in ClinVar's aggregate classification.

NM_001257180.2(SLC20A2):c.542G>A (p.Arg181Gln)

Gene: SLC20A2 (solute carrier family 20 member 2; minus strand). Cytogenetic location: 8p11.21.
Variant type: single nucleotide variant.
Coding change: c.542G>A on transcript NM_001257180.2 (MANE Select); coding-DNA position 542, G replaced by A.
Protein change: p.Arg181Gln; replaces arginine 181 with glutamine.
Molecular consequence: missense variant.
Genome position (GRCh38, 1-based): chr8:42,459,967, C>T on the plus strand (G>A on the coding strand, the complement: SLC20A2 is on the minus strand). VCF-style: chr8-42459967-C-T. GRCh37 (hg19) VCF-style: chr8-42317485-C-T.
Other names: c.542G>A, p.Arg181Gln (NM_001257181.2, NM_006749.5); c.542G>A (NM_006749.3); short protein forms R181Q.
Identifiers: ClinVar variation 1209907 (VCV001209907.11), dbSNP rs140059610, ClinGen allele CA4733538.